The following is an entry in ClinVar:

NM_020975.6(RET):c.3257G>C (p.Gly1086Ala)

Gene: RET (ret proto-oncogene; plus strand). Cytogenetic location: 10q11.21.
Variant type: single nucleotide variant.
Coding change: c.3257G>C on transcript NM_020975.6 (MANE Select); coding-DNA position 3257, G replaced by C.
Protein change: p.Gly1086Ala; replaces glycine 1086 with alanine.
Molecular consequence: missense variant. On other transcripts: 3 prime UTR variant (18), intron variant (3).
Genome position (GRCh38, 1-based): chr10:43,128,181, G>C. VCF-style: chr10-43128181-G-C. GRCh37 (hg19) VCF-style: chr10-43623629-G-C.
Other names: c.3257G>C, p.Gly1086Ala (NM_000323.2, NM_001406743.1); c.*1427G>C (NM_001355216.2, NM_001406764.1, NM_001406765.1 and 15 more transcripts); c.3197G>C, p.Gly1066Ala (NM_001406759.1, NM_001406760.1); c.3128G>C, p.Gly1043Ala (NM_001406761.1, NM_001406762.1); c.3122G>C, p.Gly1041Ala (NM_001406763.1); c.2969G>C, p.Gly990Ala (NM_001406766.1, NM_001406767.1); c.2861G>C, p.Gly954Ala (NM_001406769.1); c.2819G>C, p.Gly940Ala (NM_001406771.1); and 10 more; short protein forms G1041A, G1066A, G603A, G787A, G844A, G1043A, G990A, G583A.
Identifiers: ClinVar variation 2587895 (VCV002587895.2), dbSNP rs2133048713, ClinGen allele CA376559003.

ClinVar aggregate classification (germline): Uncertain significance (1 of 4 stars; one submission).

Conditions:
Hereditary cancer-predisposing syndrome. Also called: Tumor predisposition; Hereditary Cancer Syndrome; Hereditary neoplastic syndrome; Neoplastic Syndromes, Hereditary. Identifiers: Orphanet 140162, MedGen C0027672, MeSH D009386, MONDO:0015356.

Submission:

Ambry Genetics
Classification: Uncertain significance for Hereditary cancer-predisposing syndrome. Last evaluated: 2023-09-14. Review status: criteria provided, single submitter. Criteria: Ambry Variant Classification Scheme 2023. Collection method: clinical testing. Allele origin: germline.
Comment: The p.G1086A variant (also known as c.3257G>C), located in coding exon 20 of the RET gene, results from a G to C substitution at nucleotide position 3257. The glycine at codon 1086 is replaced by alanine, an amino acid with similar properties. This amino acid position is conserved. In addition, this alteration is predicted to be tolerated by in silico analysis. Since supporting evidence is limited at this time, the clinical significance of this alteration remains unclear.